The following is an entry in ClinVar:

ClinVar aggregate classification (germline): Uncertain significance (1 of 4 stars; one submission).

Conditions:
Common variable immunodeficiency (CVID). Also called: Common variable hypogamma-globulinemia; Common variable agammaglobulinemia. Identifiers: Orphanet 1572, MedGen C0009447, MONDO:0015517.

Allele frequency attached by ClinVar (database versions not stated): gnomAD exomes below 0.00001.
gnomAD v4.1: 1 of 1,353,052 alleles (0.000074%); highest among the groups gnomAD compares: Non-Finnish European, 0.000095%; no homozygotes.

Submission:

Labcorp Genetics (formerly Invitae), Labcorp
Classification: Uncertain significance for Common variable immunodeficiency. Last evaluated: 2024-10-18. Review status: criteria provided, single submitter. Criteria: Invitae Variant Classification Sherloc (09022015). Collection method: clinical testing. Allele origin: germline.
Comment: This sequence change replaces valine, which is neutral and non-polar, with leucine, which is neutral and non-polar, at codon 22 of the TNFSF12 protein (p.Val22Leu). This variant is not present in population databases (gnomAD no frequency). This variant has not been reported in the literature in individuals affected with TNFSF12-related conditions. ClinVar contains an entry for this variant (Variation ID: 657607). An algorithm developed to predict the effect of missense changes on protein structure and function (PolyPhen-2) suggests that this variant is likely to be tolerated. In summary, the available evidence is currently insufficient to determine the role of this variant in disease. Therefore, it has been classified as a Variant of Uncertain Significance.

NM_003809.3(TNFSF12):c.64G>C (p.Val22Leu)

Genes: TNFSF12 (TNF superfamily member 12; plus strand), TNFSF12-TNFSF13 (TNFSF12-TNFSF13 readthrough; plus strand), LOC130060153 (ATAC-STARR-seq lymphoblastoid silent region 8127; plus strand). Cytogenetic location: 17p13.1.
Variant type: single nucleotide variant.
Coding change: c.64G>C on transcript NM_003809.3 (MANE Select); coding-DNA position 64, G replaced by C.
Protein change: p.Val22Leu; replaces valine 22 with leucine.
Molecular consequence: missense variant. On other transcripts: non-coding transcript variant (1).
Genome position (GRCh38, 1-based): chr17:7,549,217, G>C. VCF-style: chr17-7549217-G-C. GRCh37 (hg19) VCF-style: chr17-7452534-G-C.
Other names: c.64G>C, p.Val22Leu (NM_172089.4); short protein forms V22L.
Identifiers: ClinVar variation 657607 (VCV000657607.9), dbSNP rs1413049593, ClinGen allele CA397853418.
Genomic context (GRCh38, chr17:7,549,217, plus strand): 5'-GCCGCCCGTCGGAGCCAGAGGCGGAGGGGGCGCCGGGGGGAGCCGGGCACCGCCCTGCTG[G>C]TCCCGCTCGCGCTGGGCCTGGGCCTGGCGCTGGCCTGCCTCGGCCTCCTGCTGGCCGTGG-3'
Protein context (NP_003800.1, residues 12-32): RRGEPGTALL[Val22Leu]PLALGLGLAL